The following is an entry in ClinVar:

ClinVar aggregate classification (germline): Pathogenic (1 of 4 stars; one submission).

Submission:

Labcorp Genetics (formerly Invitae), Labcorp
Classification: Pathogenic. Last evaluated: 2023-08-02. Review status: criteria provided, single submitter. Criteria: Invitae Variant Classification Sherloc (09022015). Collection method: clinical testing. Allele origin: germline.
Comment: For these reasons, this variant has been classified as Pathogenic. This variant has not been reported in the literature in individuals affected with COL11A2-related conditions. This variant is not present in population databases (gnomAD no frequency). This sequence change creates a premature translational stop signal (p.Leu271Thrfs*11) in the COL11A2 gene. It is expected to result in an absent or disrupted protein product. Loss-of-function variants in COL11A2 are known to be pathogenic (PMID: 10677296, 21204229).

Literature cited by the submitters: PubMed 10677296; PubMed 21204229.

NM_080680.3(COL11A2):c.811_814del (p.Leu271fs)

Gene: COL11A2 (collagen type XI alpha 2 chain; minus strand). Cytogenetic location: 6p21.32.
Variant type: Microsatellite.
Coding change: c.811_814del on transcript NM_080680.3 (MANE Select); coding-DNA positions 811 to 814, 4 bases deleted (CTCT; older notation c.811_814delCTCT).
Protein change: p.Leu271fs; shifts the reading frame from leucine 271.
Molecular consequence: frameshift variant. On other transcripts: 5 prime UTR variant (3), intron variant (2).
Genome position (GRCh38, 1-based): chr6:33,185,763-33,185,766, AGAG deleted on the plus strand (CTCT on the coding strand, the reverse complement: COL11A2 is on the minus strand); deleting any 4 consecutive bases within chr6:33,185,763-33,185,769 gives the same sequence; the c. name uses the placement nearest the transcript's 3' end. VCF-style (leftmost placement, unchanged base first): chr6-33185762-TAGAG-T. GRCh37 (hg19) VCF-style: chr6-33153539-TAGAG-T.
Other names: c.811_814del, p.Leu271fs (NM_001424108.1); c.-38CT[1] (NM_001424109.1, NM_001424110.1, NM_001424111.1); c.798+861_798+864del (NM_080679.3); c.799-712_799-709del (NM_080681.3); short protein forms L271fs.
Identifiers: ClinVar variation 2851174 (VCV002851174.3), dbSNP rs1562380080, ClinGen allele CA2739272921.
Genomic context (GRCh38, chr6:33,185,762, plus strand): 5'-TGATAATCAGGGGTTGTCCCCGTAGTCATCACATCATAATAGGGGGGCTCGTAGTCATAG[TAGAG>T]AGACTCAGTGGGCTGGGATTGGGGGGTGGGCATAGACAGGAAGGGGATGGGGTAATTGGA-3'